The following is an entry in ClinVar:

ClinVar aggregate classification (germline): Benign. Review status: criteria provided, multiple submitters, no conflicts (2 of 4 stars). 7 submissions from 7 submitters: Benign (6). 1 of the submissions does not count toward it. Last evaluated 2026-02-04.

Conditions:
MHC class II deficiency. Also called: Bare lymphocyte syndrome 2; BLS, TYPE II. Identifiers: Orphanet 572, MedGen C5447452, MONDO:0008855.

Allele frequency attached by ClinVar (database versions not stated): 1000 Genomes Project 30x 0.02327; gnomAD 0.06730; TOPMed 0.05877; ESP Exome Variant Server 0.06708; 1000 Genomes Project 0.02396; ExAC 0.06754.
gnomAD v4.1: 131,961 of 1,613,826 alleles (8.2%); highest among the groups gnomAD compares: Non-Finnish European, 9.6%; 6,228 homozygotes.

Submissions (7):

Labcorp Genetics (formerly Invitae), Labcorp
Classification: Benign for MHC class II deficiency. Last evaluated: 2026-02-04. Review status: criteria provided, single submitter. Criteria: Invitae Variant Classification Sherloc (09022015). Collection method: clinical testing. Allele origin: germline.

Women's Health and Genetics/Laboratory Corporation of America, LabCorp
Classification: Benign. Last evaluated: 2026-01-21. Review status: criteria provided, single submitter. Criteria: LabCorp Variant Classification Summary - May 2015. Collection method: clinical testing. Allele origin: germline.

Genome-Nilou Lab
Classification: Benign for MHC class II deficiency 1. Last evaluated: 2021-07-10. Review status: criteria provided, single submitter. Criteria: ACMG Guidelines, 2015. Collection method: clinical testing. Allele origin: germline. Affected: no.

Mayo Clinic Laboratories, Mayo Clinic
Classification: Benign. Last evaluated: 2018-11-20. Review status: criteria provided, single submitter. Criteria: ACMG Guidelines, 2015. Collection method: clinical testing. Allele origin: germline. Observed: 10 variant alleles.

Illumina Laboratory Services, Illumina
Classification: Benign for MHC class II deficiency 1. Last evaluated: 2018-01-12. Review status: criteria provided, single submitter. Criteria: ICSL Variant Classification Criteria 13 December 2019. Collection method: clinical testing. Allele origin: germline.
Comment: This variant was observed in the ICSL laboratory as part of a predisposition screen in an ostensibly healthy population. It had not been previously curated by ICSL or reported in the Human Gene Mutation Database (HGMD: prior to June 1st, 2018), and was therefore a candidate for classification through an automated scoring system. Utilizing variant allele frequency, disease prevalence and penetrance estimates, and inheritance mode, an automated score was calculated to assess if this variant is too frequent to cause the disease. Based on the score and internal cut-off values, a variant classified as benign is not then subjected to further curation. The score for this variant resulted in a classification of benign for this disease.

Breakthrough Genomics
Classification: Benign. Review status: criteria provided, single submitter. Criteria: ACMG Guidelines, 2015. Collection method: not provided. Allele origin: germline. Inheritance: Autosomal recessive inheritance. Affected: yes.

Natera, Inc.
Classification: Benign for Bare lymphocyte syndrome type II. Last evaluated: 2019-11-21. Review status: no assertion criteria provided. Collection method: clinical testing. Allele origin: germline. Not counted in ClinVar's aggregate classification.

NM_000246.4(CIITA):c.2331G>T (p.Ser777=)

Gene: CIITA (class II major histocompatibility complex transactivator; plus strand). Cytogenetic location: 16p13.13.
Variant type: single nucleotide variant.
Coding change: c.2331G>T on transcript NM_000246.4 (MANE Select); coding-DNA position 2331, G replaced by T.
Protein change: p.Ser777=; no amino-acid change (serine 777 retained).
Molecular consequence: synonymous variant. On other transcripts: intron variant (1).
Genome position (GRCh38, 1-based): chr16:10,907,823, G>T. VCF-style: chr16-10907823-G-T. GRCh37 (hg19) VCF-style: chr16-11001680-G-T.
Other names: p.Ser777=; c.2334G>T, p.Ser778= (NM_001286402.1, NM_001379332.1); c.2187G>T, p.Ser729= (NM_001379330.1); c.2184G>T, p.Ser728= (NM_001379331.1); c.2331G>T, p.Ser777= (NM_001379333.1); c.2262G>T, p.Ser754= (NM_001379334.1); c.860-1160G>T (NM_001286403.2).
Identifiers: ClinVar variation 317707 (VCV000317707.23), dbSNP rs34685848, ClinGen allele CA7900350.
Genomic context (GRCh38, chr16:10,907,823, plus strand): 5'-TCTGGCTGGGCTGATCTTCCAGCCTCCCGCCCGCTGCCTGGGAGCCCTACTCGGGCCATC[G>T]GCGGCTGCCTCGGTGGACAGGAAGCAGAAGGTGCTTGCGAGGTACCTGAAGCGGCTGCAG-3'
Protein context (NP_000237.2, residues 767-787): ARCLGALLGP[Ser777=]AAASVDRKQK